The following is an entry in ClinVar:

ClinVar aggregate classification (germline): Pathogenic/Likely pathogenic. Review status: criteria provided, multiple submitters, no conflicts (2 of 4 stars). 2 submissions from 2 submitters: Pathogenic (1); Likely pathogenic (1). Last evaluated 2023-06-23.

Conditions:
Heimler syndrome 1 (HMLR1). Also called: PEROXISOME BIOGENESIS DISORDER 1C. Identifiers: Orphanet 3220, MedGen C4551980, OMIM 234580, MONDO:0024544.
Zellweger spectrum disorders (ZS). Also called: Zellweger syndrome; Zellweger Spectrum Disorder (ZSD); Zellweger Spectrum Disorder; Zellweger Spectrum. Identifiers: Orphanet 912, MedGen C0043459, MONDO:0019609.

Submissions (2):

Baylor Genetics
Classification: Likely pathogenic for Heimler syndrome 1. Last evaluated: 2023-06-23. Review status: criteria provided, single submitter. Criteria: ACMG Guidelines, 2015. Collection method: clinical testing. Allele origin: unknown.

Labcorp Genetics (formerly Invitae), Labcorp
Classification: Pathogenic for Zellweger spectrum disorders. Last evaluated: 2023-01-07. Review status: criteria provided, single submitter. Criteria: Invitae Variant Classification Sherloc (09022015). Collection method: clinical testing. Allele origin: germline.
Comment: This variant has not been reported in the literature in individuals affected with PEX1-related conditions. This variant is not present in population databases (gnomAD no frequency). This sequence change creates a premature translational stop signal (p.Gln1169*) in the PEX1 gene. It is expected to result in an absent or disrupted protein product. Loss-of-function variants in PEX1 are known to be pathogenic (PMID: 9398847, 16086329, 16141001, 21031596, 26387595, 31831025). Algorithms developed to predict the effect of sequence changes on RNA splicing suggest that this variant may disrupt the consensus splice site. For these reasons, this variant has been classified as Pathogenic.

Literature cited by the submitters: PubMed 9398847 (cited by Labcorp Genetics (formerly Invitae), Labcorp); PubMed 16086329 (cited by Labcorp Genetics (formerly Invitae), Labcorp); PubMed 16141001 (cited by Labcorp Genetics (formerly Invitae), Labcorp); PubMed 21031596 (cited by Labcorp Genetics (formerly Invitae), Labcorp); PubMed 26387595 (cited by Labcorp Genetics (formerly Invitae), Labcorp); PubMed 31831025 (cited by Labcorp Genetics (formerly Invitae), Labcorp).

NM_000466.3(PEX1):c.3505C>T (p.Gln1169Ter)

Genes: GATAD1 (GATA zinc finger domain containing 1; plus strand), PEX1 (peroxisomal biogenesis factor 1; minus strand). Cytogenetic location: 7q21.2.
Variant type: single nucleotide variant.
Coding change: c.3505C>T on transcript NM_000466.3 (MANE Select); coding-DNA position 3505, C replaced by T.
Protein change: p.Gln1169Ter; replaces glutamine 1169 with a stop codon.
Molecular consequence: nonsense.
Genome position (GRCh38, 1-based): chr7:92,489,845, G>A on the plus strand (C>T on the coding strand, the complement: PEX1 is on the minus strand). VCF-style: chr7-92489845-G-A. GRCh37 (hg19) VCF-style: chr7-92119159-G-A.
Other names: c.3334C>T, p.Gln1112Ter (NM_001282677.2); c.2881C>T, p.Gln961Ter (NM_001282678.2); short protein forms Q1112*, Q1169*, Q961*.
Identifiers: ClinVar variation 2677617 (VCV002677617.4), dbSNP rs2484613318, ClinGen allele CA368161789.
Genomic context (GRCh38, chr7:92,489,845, plus strand): 5'-TAAGTTCTTGGCAACCCTCTTGTGAAGCTGTCCTTAACACTGGAGGCTGTGAAAACAACT[G>A]GTCTTTCCCAGGAACTCCAGGCAAATCCTGAGTCATGGAGCTTGGTGCAGAGAGACATTG-3'